The following is an entry in ClinVar:

ClinVar aggregate classification (germline): Uncertain significance (1 of 4 stars; one submission).

Conditions:
MYO6-related disorder. Also called: MYO6-related condition; MYO6-related disorders.

Allele frequency attached by ClinVar (database versions not stated): gnomAD exomes below 0.00001; TOPMed below 0.00001.
gnomAD v4.1: 2 of 1,613,862 alleles (0.00012%); highest among the groups gnomAD compares: Admixed American, 0.0033%; no homozygotes.

Submission:

PreventionGenetics, part of Exact Sciences
Classification: Uncertain significance for MYO6-related condition. Last evaluated: 2023-02-16. Review status: criteria provided, single submitter. Criteria: ACMG Guidelines, 2015. Collection method: clinical testing. Allele origin: germline.
Comment: The MYO6 c.2585A>G variant is predicted to result in the amino acid substitution p.Asp862Gly. To our knowledge, this variant has not been reported in the literature. This variant is reported in 0.0029% of alleles in individuals of Latino descent in gnomAD. At this time, the clinical significance of this variant is uncertain due to the absence of conclusive functional and genetic evidence.

NM_004999.4(MYO6):c.2585A>G (p.Asp862Gly)

Gene: MYO6 (myosin VI; plus strand). Cytogenetic location: 6q14.1.
Variant type: single nucleotide variant.
Coding change: c.2585A>G on transcript NM_004999.4 (MANE Select); coding-DNA position 2585, A replaced by G.
Protein change: p.Asp862Gly; replaces aspartic acid 862 with glycine.
Molecular consequence: missense variant. On other transcripts: non-coding transcript variant (1).
Genome position (GRCh38, 1-based): chr6:75,886,921, A>G. VCF-style: chr6-75886921-A-G. GRCh37 (hg19) VCF-style: chr6-76596638-A-G.
Other names: c.2585A>G, p.Asp862Gly (NM_001300899.2, NM_001368136.1, NM_001368137.1 and 2 more transcripts); c.2570A>G, p.Asp857Gly (NM_001368138.1); short protein forms D857G, D862G.
Identifiers: ClinVar variation 2630378 (VCV002630378.1), dbSNP rs1298048652, ClinGen allele CA364775439.